The following is an entry in ClinVar:

NM_020247.5(COQ8A):c.588+1G>C

Gene: COQ8A (coenzyme Q8A; plus strand). Cytogenetic location: 1q42.13.
Variant type: single nucleotide variant.
Coding change: c.588+1G>C on transcript NM_020247.5 (MANE Select); the canonical splice donor site of the intron after coding-DNA position 588, G replaced by C.
Molecular consequence: splice donor variant.
Genome position (GRCh38, 1-based): chr1:226,965,411, G>C. VCF-style: chr1-226965411-G-C. GRCh37 (hg19) VCF-style: chr1-227153112-G-C.
Identifiers: ClinVar variation 1698893 (VCV001698893.8), dbSNP rs1474965033, ClinGen allele CA345050670.

ClinVar aggregate classification (germline): Likely pathogenic. Review status: criteria provided, multiple submitters, no conflicts (2 of 4 stars). 2 submissions from 2 submitters: Likely pathogenic (2). Last evaluated 2024-01-05.

Conditions:
Autosomal recessive ataxia due to ubiquinone deficiency. Also called: SPINOCEREBELLAR ATAXIA, AUTOSOMAL RECESSIVE 9; Coenzyme Q10 deficiency, primary, 4. Identifiers: Orphanet 139485, MedGen C2677589, MONDO:0012784, OMIM 612016.

Allele frequency attached by ClinVar (database versions not stated): gnomAD exomes below 0.00001; gnomAD 0.00001; TOPMed 0.00001.
gnomAD v4.1: 5 of 1,607,498 alleles (0.00031%); highest among the groups gnomAD compares: Non-Finnish European, 0.00034%; no homozygotes.

Submissions (2):

Labcorp Genetics (formerly Invitae), Labcorp
Classification: Likely pathogenic. Last evaluated: 2024-01-05. Review status: criteria provided, single submitter. Criteria: Invitae Variant Classification Sherloc (09022015). Collection method: clinical testing. Allele origin: germline.
Comment: This sequence change affects a donor splice site in intron 3 of the COQ8A gene. It is expected to disrupt RNA splicing. Variants that disrupt the donor or acceptor splice site typically lead to a loss of protein function (PMID: 16199547), and loss-of-function variants in COQ8A are known to be pathogenic (PMID: 18319074, 20580948). This variant is not present in population databases (gnomAD no frequency). This variant has not been reported in the literature in individuals affected with COQ8A-related conditions. ClinVar contains an entry for this variant (Variation ID: 1698893). Algorithms developed to predict the effect of sequence changes on RNA splicing suggest that this variant may disrupt the consensus splice site. In summary, the currently available evidence indicates that the variant is pathogenic, but additional data are needed to prove that conclusively. Therefore, this variant has been classified as Likely Pathogenic.

Genetics and Molecular Pathology, SA Pathology
Classification: Likely pathogenic for Autosomal recessive ataxia due to ubiquinone deficiency. Last evaluated: 2021-07-07. Review status: criteria provided, single submitter. Criteria: ACMG Guidelines, 2015. Collection method: clinical testing. Allele origin: germline. Inheritance: Autosomal recessive inheritance. Affected: yes.

Literature cited by the submitters: PubMed 16199547 (cited by Labcorp Genetics (formerly Invitae), Labcorp); PubMed 18319074 (cited by Labcorp Genetics (formerly Invitae), Labcorp); PubMed 20580948 (cited by Labcorp Genetics (formerly Invitae), Labcorp).